The following is an entry in ClinVar:

ClinVar aggregate classification (germline): Uncertain significance. Review status: criteria provided, multiple submitters, no conflicts (2 of 4 stars). 2 submissions from 2 submitters: Uncertain significance (2). Last evaluated 2026-01-28.

Conditions:
Cardiovascular phenotype. Identifiers: MedGen CN230736.
Hypertrophic cardiomyopathy 14. Identifiers: MedGen C2750467, MONDO:0013197, OMIM 613251.

Allele frequency attached by ClinVar (database versions not stated): TOPMed below 0.00001.

Submissions (2):

Labcorp Genetics (formerly Invitae), Labcorp
Classification: Uncertain significance for Hypertrophic cardiomyopathy 14. Last evaluated: 2026-01-28. Review status: criteria provided, single submitter. Criteria: Invitae Variant Classification Sherloc (09022015). Collection method: clinical testing. Allele origin: germline.
Comment: This sequence change falls in intron 26 of the MYH6 gene. It does not directly change the encoded amino acid sequence of the MYH6 protein. It affects a nucleotide within the consensus splice site. This variant is not present in population databases (gnomAD no frequency). This variant has not been reported in the literature in individuals affected with MYH6-related conditions. ClinVar contains an entry for this variant (Variation ID: 1510598). Variants that disrupt the consensus splice site are a relatively common cause of aberrant splicing (PMID: 17576681, 9536098). Algorithms developed to predict the effect of sequence changes on RNA splicing suggest that this variant may disrupt the consensus splice site. In summary, the available evidence is currently insufficient to determine the role of this variant in disease. Therefore, it has been classified as a Variant of Uncertain Significance.

Ambry Genetics
Classification: Uncertain significance for Cardiovascular phenotype. Last evaluated: 2022-12-29. Review status: criteria provided, single submitter. Criteria: Ambry Variant Classification Scheme 2023. Collection method: clinical testing. Allele origin: germline.
Comment: The c.3732+5G>C intronic variant results from a G to C substitution 5 nucleotides after coding exon 24 in the MYH6 gene. This nucleotide position is well conserved in available vertebrate species. In silico splice site analysis predicts that this alteration will weaken the native splice donor site. Since supporting evidence is limited at this time, the clinical significance of this alteration remains unclear.

Literature cited by the submitters: PubMed 17576681 (cited by Labcorp Genetics (formerly Invitae), Labcorp); PubMed 9536098 (cited by Labcorp Genetics (formerly Invitae), Labcorp).

NM_002471.4(MYH6):c.3732+5G>C

Gene: MYH6 (myosin heavy chain 6; minus strand). Cytogenetic location: 14q11.2.
Variant type: single nucleotide variant.
Coding change: c.3732+5G>C on transcript NM_002471.4 (MANE Select); 5 bases into the intron after coding-DNA position 3732, G replaced by C.
Molecular consequence: intron variant.
Genome position (GRCh38, 1-based): chr14:23,390,052, C>G on the plus strand (G>C on the coding strand, the complement: MYH6 is on the minus strand). VCF-style: chr14-23390052-C-G. GRCh37 (hg19) VCF-style: chr14-23859261-C-G.
Other names: c.3732+5G>C (NM_002471.3).
Identifiers: ClinVar variation 1510598 (VCV001510598.7), dbSNP rs1891184026, ClinGen allele CA2123412104.